The following is an entry in ClinVar:

ClinVar aggregate classification (germline): Uncertain significance. Review status: criteria provided, multiple submitters, no conflicts (2 of 4 stars). 7 submissions from 7 submitters: Uncertain significance (5). 2 of the submissions do not count toward it. Last evaluated 2026-08-16.

Conditions:
Hypertrophic cardiomyopathy 15. Identifiers: MedGen C2750459, MONDO:0013200, OMIM 613255.
Dilated cardiomyopathy 1W (CMD1W). Identifiers: Orphanet 154, MedGen C1969639, MONDO:0012667, OMIM 611407.
Cardiovascular phenotype. Identifiers: MedGen CN230736.

Allele frequency attached by ClinVar (database versions not stated): TOPMed 0.00001; gnomAD 0.00001.
gnomAD v4.1: 18 of 1,614,008 alleles (0.0011%); highest among the groups gnomAD compares: Admixed American, 0.0083%; no homozygotes.

Submissions (7):

Ambry Genetics
Classification: Uncertain significance for Cardiovascular phenotype. Last evaluated: 2026-08-16. Review status: criteria provided, single submitter. Criteria: Ambry Variant Classification Scheme 2023. Collection method: clinical testing. Allele origin: germline.
Comment: The p.V198M variant (also known as c.592G>A), located in coding exon 5 of the VCL gene, results from a G to A substitution at nucleotide position 592. The valine at codon 198 is replaced by methionine, an amino acid with highly similar properties. This amino acid position is conserved. In addition, the in silico prediction for this alteration is inconclusive. Based on the available evidence, the clinical significance of this variant remains unclear.

Labcorp Genetics (formerly Invitae), Labcorp
Classification: Uncertain significance for Dilated cardiomyopathy 1W. Last evaluated: 2025-09-27. Review status: criteria provided, single submitter. Criteria: Invitae Variant Classification Sherloc (09022015). Collection method: clinical testing. Allele origin: germline.
Comment: This sequence change replaces valine, which is neutral and non-polar, with methionine, which is neutral and non-polar, at codon 198 of the VCL protein (p.Val198Met). This variant is present in population databases (rs760340545, gnomAD 0.02%). This variant has not been reported in the literature in individuals affected with VCL-related conditions. ClinVar contains an entry for this variant (Variation ID: 300783). An algorithm developed to predict the effect of missense changes on protein structure and function (PolyPhen-2) suggests that this variant is likely to be disruptive. In summary, the available evidence is currently insufficient to determine the role of this variant in disease. Therefore, it has been classified as a Variant of Uncertain Significance.

Fulgent Genetics
Classification: Uncertain significance for Dilated cardiomyopathy 1W; Hypertrophic cardiomyopathy 15. Last evaluated: 2022-03-16. Review status: criteria provided, single submitter. Criteria: ACMG Guidelines, 2015. Collection method: clinical testing. Allele origin: unknown.

Baylor Genetics
Classification: Uncertain significance for Dilated cardiomyopathy 1W. Last evaluated: 2018-06-14. Review status: criteria provided, single submitter. Criteria: ACMG Guidelines, 2015. Collection method: clinical testing. Allele origin: paternal. Affected: yes.
Comment: This variant was determined to be of uncertain significance according to ACMG Guidelines, 2015 [PMID:25741868].

Illumina Laboratory Services, Illumina
Classification: Uncertain significance for Dilated cardiomyopathy 1W. Last evaluated: 2018-01-12. Review status: criteria provided, single submitter. Criteria: ICSL Variant Classification Criteria 13 December 2019. Collection method: clinical testing. Allele origin: germline.

Clinical Genetics, Academic Medical Center
Classification: Uncertain significance. Review status: no assertion criteria provided. Collection method: clinical testing. Allele origin: germline. Affected: yes. Study: VKGL Data-share Consensus. Not counted in ClinVar's aggregate classification.

Diagnostic Laboratory, Department of Genetics, University Medical Center Groningen
Classification: Uncertain significance. Review status: no assertion criteria provided. Collection method: clinical testing. Allele origin: germline. Affected: yes. Study: VKGL Data-share Consensus. Not counted in ClinVar's aggregate classification.

NM_014000.3(VCL):c.592G>A (p.Val198Met)

Gene: VCL (vinculin; plus strand). Cytogenetic location: 10q22.2.
Variant type: single nucleotide variant.
Coding change: c.592G>A on transcript NM_014000.3 (MANE Select); coding-DNA position 592, G replaced by A.
Protein change: p.Val198Met; replaces valine 198 with methionine.
Molecular consequence: missense variant.
Genome position (GRCh38, 1-based): chr10:74,072,822, G>A. VCF-style: chr10-74072822-G-A. GRCh37 (hg19) VCF-style: chr10-75832580-G-A.
Other names: c.592G>A, p.Val198Met (NM_003373.4); short protein forms V198M.
Identifiers: ClinVar variation 300783 (VCV000300783.17), dbSNP rs760340545, ClinGen allele CA5562807.